The following is an entry in ClinVar:

ClinVar aggregate classification (germline): Uncertain significance (1 of 4 stars; one submission).

Conditions:
Birt-Hogg-Dube syndrome. Also called: Birt Hogg Dubé syndrome. Identifiers: Orphanet 122, MedGen C0346010, MONDO:0800444.

Submission:

Labcorp Genetics (formerly Invitae), Labcorp
Classification: Uncertain significance for Birt-Hogg-Dube syndrome. Last evaluated: 2023-12-01. Review status: criteria provided, single submitter. Criteria: Invitae Variant Classification Sherloc (09022015). Collection method: clinical testing. Allele origin: germline.
Comment: This sequence change falls in intron 12 of the FLCN gene. It does not directly change the encoded amino acid sequence of the FLCN protein. It affects a nucleotide within the consensus splice site. This variant is not present in population databases (gnomAD no frequency). This variant has not been reported in the literature in individuals affected with FLCN-related conditions. Variants that disrupt the consensus splice site are a relatively common cause of aberrant splicing (PMID: 17576681, 9536098). Algorithms developed to predict the effect of sequence changes on RNA splicing suggest that this variant is not likely to affect RNA splicing. In summary, the available evidence is currently insufficient to determine the role of this variant in disease. Therefore, it has been classified as a Variant of Uncertain Significance.

Literature cited by the submitters: PubMed 17576681; PubMed 9536098.

NM_144997.7(FLCN):c.1432+4G>T

Gene: FLCN (folliculin; minus strand). Cytogenetic location: 17p11.2.
Variant type: single nucleotide variant.
Coding change: c.1432+4G>T on transcript NM_144997.7 (MANE Select); 4 bases into the intron after coding-DNA position 1432, G replaced by T.
Molecular consequence: intron variant.
Genome position (GRCh38, 1-based): chr17:17,215,181, C>A on the plus strand (G>T on the coding strand, the complement: FLCN is on the minus strand). VCF-style: chr17-17215181-C-A. GRCh37 (hg19) VCF-style: chr17-17118495-C-A.
Other names: c.1432+4G>T (NM_001353231.2, NM_001353230.2); c.1486+4G>T (NM_001353229.2).
Identifiers: ClinVar variation 2888738 (VCV002888738.3), dbSNP rs373547953, ClinGen allele CA2733206415.